The following is an entry in ClinVar:

ClinVar aggregate classification (germline): Uncertain significance (1 of 4 stars; one submission).

Allele frequency attached by ClinVar (database versions not stated): gnomAD exomes below 0.00001; TOPMed below 0.00001; ExAC 0.00001.
gnomAD v4.1: 4 of 1,613,970 alleles (0.00025%); highest among the groups gnomAD compares: Non-Finnish European, 0.00034%; no homozygotes.

Submission:

Labcorp Genetics (formerly Invitae), Labcorp
Classification: Uncertain significance. Last evaluated: 2022-11-29. Review status: criteria provided, single submitter. Criteria: Invitae Variant Classification Sherloc (09022015). Collection method: clinical testing. Allele origin: germline.
Comment: Advanced modeling of protein sequence and biophysical properties (such as structural, functional, and spatial information, amino acid conservation, physicochemical variation, residue mobility, and thermodynamic stability) performed at Invitae indicates that this missense variant is not expected to disrupt CPLANE1 protein function. In summary, the available evidence is currently insufficient to determine the role of this variant in disease. Therefore, it has been classified as a Variant of Uncertain Significance. ClinVar contains an entry for this variant (Variation ID: 1525421). This variant has not been reported in the literature in individuals affected with CPLANE1-related conditions. This variant is present in population databases (rs773017769, gnomAD 0.0009%). This sequence change replaces serine, which is neutral and polar, with proline, which is neutral and non-polar, at codon 2589 of the CPLANE1 protein (p.Ser2589Pro).

NM_001384732.1(CPLANE1):c.7765T>C (p.Ser2589Pro)

Gene: CPLANE1 (ciliogenesis and planar polarity effector complex subunit 1; minus strand). Cytogenetic location: 5p13.2.
Variant type: single nucleotide variant.
Coding change: c.7765T>C on transcript NM_001384732.1 (MANE Select); coding-DNA position 7765, T replaced by C.
Protein change: p.Ser2589Pro; replaces serine 2589 with proline.
Molecular consequence: missense variant.
Genome position (GRCh38, 1-based): chr5:37,158,271, A>G on the plus strand (T>C on the coding strand, the complement: CPLANE1 is on the minus strand). VCF-style: chr5-37158271-A-G. GRCh37 (hg19) VCF-style: chr5-37158373-A-G.
Other names: c.7765T>C, p.Ser2589Pro (NM_023073.4); short protein forms S2589P.
Identifiers: ClinVar variation 1525421 (VCV001525421.6), dbSNP rs773017769, ClinGen allele CA3237953.